The following is an entry in ClinVar:

NM_001267550.2(TTN):c.107956A>G (p.Ile35986Val)

Genes: TTN (titin; minus strand), TTN-AS1 (TTN antisense RNA 1; plus strand). Cytogenetic location: 2q31.2.
Variant type: single nucleotide variant.
Coding change: c.107956A>G on transcript NM_001267550.2 (MANE Select); coding-DNA position 107956, A replaced by G.
Protein change: p.Ile35986Val; replaces isoleucine 35986 with valine.
Molecular consequence: missense variant.
Genome position (GRCh38, 1-based): chr2:178,527,032, T>C on the plus strand (A>G on the coding strand, the complement: TTN is on the minus strand). VCF-style: chr2-178527032-T-C. GRCh37 (hg19) VCF-style: chr2-179391759-T-C.
Other names: c.103033A>G, p.Ile34345Val (NM_001256850.1); c.80761A>G, p.Ile26921Val (NM_003319.4); c.100252A>G, p.Ile33418Val (NM_133378.4); c.81136A>G, p.Ile27046Val (NM_133432.3); c.81337A>G, p.Ile27113Val (NM_133437.4); short protein forms I35986V, I34345V, I27046V, I33418V, I26921V, I27113V.
Identifiers: ClinVar variation 425238 (VCV000425238.44), dbSNP rs1064797273, ClinGen allele CA16621775.

ClinVar aggregate classification (germline): Uncertain significance. Review status: criteria provided, multiple submitters, no conflicts (2 of 4 stars). 2 submissions from 2 submitters: Uncertain significance (2). Last evaluated 2025-08-10.

Conditions:
Autosomal recessive limb-girdle muscular dystrophy type 2J (LGMDR10). Also called: MUSCULAR DYSTROPHY, LIMB-GIRDLE, AUTOSOMAL RECESSIVE 10; Limb-girdle muscular dystrophy, type 2J. Identifiers: Orphanet 140922, MedGen C1837342, MONDO:0012127, OMIM 608807.
Dilated cardiomyopathy 1G (CMD1G). Identifiers: Orphanet 154, MedGen C1858763, MONDO:0011400, OMIM 604145.

Submissions (2):

Labcorp Genetics (formerly Invitae), Labcorp
Classification: Uncertain significance for Dilated cardiomyopathy 1G; Autosomal recessive limb-girdle muscular dystrophy type 2J. Last evaluated: 2025-08-10. Review status: criteria provided, single submitter. Criteria: Invitae Variant Classification Sherloc (09022015). Collection method: clinical testing. Allele origin: germline.
Comment: This sequence change replaces isoleucine, which is neutral and non-polar, with valine, which is neutral and non-polar, at codon 35986 of the TTN protein (p.Ile35986Val). This variant is not present in population databases (gnomAD no frequency). This variant has not been reported in the literature in individuals affected with TTN-related conditions. ClinVar contains an entry for this variant (Variation ID: 425238). Experimental studies and prediction algorithms are not available or were not evaluated, and the functional significance of this variant is currently unknown. This variant is located in the M band of TTN (PMID: 25589632). Non-truncating variants in this region may be relevant for neuromuscular disorders, but have not been definitively shown to cause cardiomyopathy (PMID: 23975875). This variant disrupts the p.Ile35986 amino acid residue in TTN. Other variant(s) that disrupt this residue have been determined to be pathogenic (PMID: 32039858; internal data). This suggests that this residue is clinically significant, and that variants that disrupt this residue are likely to be disease-causing. In summary, the available evidence is currently insufficient to determine the role of this variant in disease. Therefore, it has been classified as a Variant of Uncertain Significance.

CeGaT Center for Human Genetics Tuebingen
Classification: Uncertain significance. Last evaluated: 2016-11-01. Review status: criteria provided, single submitter. Criteria: CeGaT Center For Human Genetics Tuebingen Variant Classification Criteria Version 2. Collection method: clinical testing. Allele origin: germline. Affected: yes. Observed: 1 variant allele.

Literature cited by the submitters: PubMed 25589632 (cited by Labcorp Genetics (formerly Invitae), Labcorp); PubMed 23975875 (cited by Labcorp Genetics (formerly Invitae), Labcorp); PubMed 32039858 (cited by Labcorp Genetics (formerly Invitae), Labcorp).